The following is an entry in ClinVar:

NM_002485.5(NBN):c.601G>C (p.Asp201His)

Gene: NBN (nibrin; minus strand). Cytogenetic location: 8q21.3.
Variant type: single nucleotide variant.
Coding change: c.601G>C on transcript NM_002485.5 (MANE Select); coding-DNA position 601, G replaced by C.
Protein change: p.Asp201His; replaces aspartic acid 201 with histidine.
Molecular consequence: missense variant.
Genome position (GRCh38, 1-based): chr8:89,971,274, C>G on the plus strand (G>C on the coding strand, the complement: NBN is on the minus strand). VCF-style: chr8-89971274-C-G. GRCh37 (hg19) VCF-style: chr8-90983502-C-G.
Other names: c.355G>C, p.Asp119His (NM_001024688.3); short protein forms D201H, D119H.
Identifiers: ClinVar variation 934101 (VCV000934101.11), dbSNP rs757186245, ClinGen allele CA371659311.

ClinVar aggregate classification (germline): Uncertain significance. Review status: criteria provided, multiple submitters, no conflicts (2 of 4 stars). 3 submissions from 3 submitters: Uncertain significance (3). Last evaluated 2023-12-05.

Conditions:
Hereditary cancer-predisposing syndrome. Also called: Tumor predisposition; Hereditary neoplastic syndrome; Neoplastic Syndromes, Hereditary; Hereditary Cancer Syndrome. Identifiers: Orphanet 140162, MedGen C0027672, MeSH D009386, MONDO:0015356.
Aplastic anemia. Identifiers: Orphanet 182040, Orphanet 88, MedGen C0002874, MONDO:0015909, OMIM 609135, HP:0001915.
Microcephaly, normal intelligence and immunodeficiency (NBS). Also called: Nijmegen breakage syndrome; Microcephaly with normal intelligence immunodeficiency and lymphoreticular malignancies; Nonsyndromal microcephaly autosomal recessive with normal intelligence; Seemanova syndrome 2; IMMUNODEFICIENCY, MICROCEPHALY, AND CHROMOSOMAL INSTABILITY; SEEMANOVA SYNDROME II. Identifiers: Orphanet 647, MedGen C0398791, MONDO:0009623, OMIM 251260.

Allele frequency attached by ClinVar (database versions not stated): gnomAD exomes below 0.00001; TOPMed 0.00001.
gnomAD v4.1: 4 of 1,612,314 alleles (0.00025%); highest among the groups gnomAD compares: Non-Finnish European, 0.00034%; no homozygotes.

Submissions (3):

Baylor Genetics
Classification: Uncertain significance for Aplastic anemia. Last evaluated: 2023-12-05. Review status: criteria provided, single submitter. Criteria: ACMG Guidelines, 2015. Collection method: clinical testing. Allele origin: unknown.

Labcorp Genetics (formerly Invitae), Labcorp
Classification: Uncertain significance for Microcephaly, normal intelligence and immunodeficiency. Last evaluated: 2023-10-09. Review status: criteria provided, single submitter. Criteria: Invitae Variant Classification Sherloc (09022015). Collection method: clinical testing. Allele origin: germline.
Comment: This sequence change replaces aspartic acid, which is acidic and polar, with histidine, which is basic and polar, at codon 201 of the NBN protein (p.Asp201His). This variant is not present in population databases (gnomAD no frequency). This variant has not been reported in the literature in individuals affected with NBN-related conditions. ClinVar contains an entry for this variant (Variation ID: 934101). An algorithm developed to predict the effect of missense changes on protein structure and function (PolyPhen-2) suggests that this variant is likely to be disruptive. In summary, the available evidence is currently insufficient to determine the role of this variant in disease. Therefore, it has been classified as a Variant of Uncertain Significance.

Ambry Genetics
Classification: Uncertain significance for Hereditary cancer-predisposing syndrome. Last evaluated: 2021-03-23. Review status: criteria provided, single submitter. Criteria: Ambry Variant Classification Scheme 2023. Collection method: clinical testing. Allele origin: germline.
Comment: The p.D201H variant (also known as c.601G>C), located in coding exon 6 of the NBN gene, results from a G to C substitution at nucleotide position 601. The aspartic acid at codon 201 is replaced by histidine, an amino acid with similar properties. This amino acid position is highly conserved in available vertebrate species. In addition, the in silico prediction for this alteration is inconclusive. Since supporting evidence is limited at this time, the clinical significance of this alteration remains unclear.